The following is an entry in ClinVar:

NM_000548.5(TSC2):c.5069-7dup

Gene: TSC2 (TSC complex subunit 2; plus strand). Cytogenetic location: 16p13.3.
Variant type: Duplication.
Coding change: c.5069-7dup on transcript NM_000548.5 (MANE Select); 7 bases into the intron before coding-DNA position 5069, one base duplicated (T; older notation c.5069-7dupT).
Molecular consequence: intron variant.
Genome position (GRCh38, 1-based): chr16:2,088,041, T duplicated. VCF-style (leftmost placement, unchanged base first): chr16-2088040-C-CT. GRCh37 (hg19) VCF-style: chr16-2138041-C-CT.
Other names: c.4850-7dup (NM_001406676.1); c.4724-7dup (NM_001318829.2); c.4721-7dup (NM_001406679.1); c.4271-7dup (NM_001406686.1, NM_001406685.1); c.4901-7dup (NM_001318832.2); c.3527-7dup (NM_001406693.1, NM_001406692.1, NM_001406694.1); c.4961-7dup (NM_001406667.1); c.4958-7dup (NM_001406668.1); and 26 more.
Identifiers: ClinVar variation 4071295 (VCV004071295.1).
Genomic context (GRCh38, chr16:2,088,040, plus strand): 5'-GGCCGGGTGGGGCCCTGCAGTGTGGCGCCAAGAGCCCTGGGCCTGGCGTGACCACCAAGT[C>CT]TCCCCAGACATGGAGGGCCTTGTGGACACCAGCGTGGCCAAGATCGTGTCTGACCGCAAC-3'

ClinVar aggregate classification (germline): Likely benign (1 of 4 stars; one submission).

Conditions:
Tuberous sclerosis 2 (TSC2). Identifiers: Orphanet 805, MedGen C1860707, MONDO:0013199, OMIM 613254.

Submission:

Myriad Genetics, Inc.
Classification: Likely benign for Tuberous sclerosis 2. Last evaluated: 2025-06-05. Review status: criteria provided, single submitter. Criteria: Myriad Autosomal Dominant, Autosomal Recessive and X-Linked Classification Criteria (2023). Collection method: clinical testing. Allele origin: unknown.
Comment: This variant is considered likely benign. This variant is intronic and is not expected to impact mRNA splicing.